The following is an entry in ClinVar:

NM_006182.4(DDR2):c.578C>A (p.Ser193Tyr)

Gene: DDR2 (discoidin domain receptor tyrosine kinase 2; plus strand). Cytogenetic location: 1q23.3.
Variant type: single nucleotide variant.
Coding change: c.578C>A on transcript NM_006182.4 (MANE Select); coding-DNA position 578, C replaced by A.
Protein change: p.Ser193Tyr; replaces serine 193 with tyrosine.
Molecular consequence: missense variant.
Genome position (GRCh38, 1-based): chr1:162,755,676, C>A. VCF-style: chr1-162755676-C-A. GRCh37 (hg19) VCF-style: chr1-162725466-C-A.
Other names: c.578C>A, p.Ser193Tyr (NM_001014796.3, NM_001354982.2, NM_001354983.2); short protein forms S193Y.
Identifiers: ClinVar variation 2028464 (VCV002028464.4), dbSNP rs889257496, ClinGen allele CA343406703.

ClinVar aggregate classification (germline): Uncertain significance (1 of 4 stars; one submission).

Submission:

Labcorp Genetics (formerly Invitae), Labcorp
Classification: Uncertain significance. Last evaluated: 2024-03-11. Review status: criteria provided, single submitter. Criteria: Invitae Variant Classification Sherloc (09022015). Collection method: clinical testing. Allele origin: germline.
Comment: This sequence change replaces serine, which is neutral and polar, with tyrosine, which is neutral and polar, at codon 193 of the DDR2 protein (p.Ser193Tyr). This variant is not present in population databases (gnomAD no frequency). This variant has not been reported in the literature in individuals affected with DDR2-related conditions. ClinVar contains an entry for this variant (Variation ID: 2028464). An algorithm developed to predict the effect of missense changes on protein structure and function (PolyPhen-2) suggests that this variant is likely to be disruptive. In summary, the available evidence is currently insufficient to determine the role of this variant in disease. Therefore, it has been classified as a Variant of Uncertain Significance.